The following is an entry in ClinVar:

NM_001127178.3(PIGG):c.1684G>T (p.Val562Phe)

Gene: PIGG (phosphatidylinositol glycan anchor biosynthesis class G (EMM blood group); plus strand). Cytogenetic location: 4p16.3.
Variant type: single nucleotide variant.
Coding change: c.1684G>T on transcript NM_001127178.3 (MANE Select); coding-DNA position 1684, G replaced by T.
Protein change: p.Val562Phe; replaces valine 562 with phenylalanine.
Molecular consequence: missense variant. On other transcripts: non-coding transcript variant (7).
Genome position (GRCh38, 1-based): chr4:523,528, G>T. VCF-style: chr4-523528-G-T. GRCh37 (hg19) VCF-style: chr4-517317-G-T.
Other names: c.1417G>T, p.Val473Phe (NM_001289051.2, NM_001345986.2); c.1285G>T, p.Val429Phe (NM_001289052.2); c.1393G>T, p.Val465Phe (NM_001345987.2); c.655G>T, p.Val219Phe (NM_001345988.2); c.151G>T, p.Val51Phe (NM_001345990.2, NM_001345991.2); c.586G>T, p.Val196Phe (NM_001345994.2); c.1660G>T, p.Val554Phe (NM_017733.5); short protein forms V465F, V51F, V554F, V562F, V196F, V429F, V473F, V219F.
Identifiers: ClinVar variation 956308 (VCV000956308.10), dbSNP rs747534317, ClinGen allele CA355906692.

ClinVar aggregate classification (germline): Uncertain significance (1 of 4 stars; one submission).

Conditions:
Intellectual disability, autosomal recessive 53 (NEDHSCA). Also called: GLYCOSYLPHOSPHATIDYLINOSITOL BIOSYNTHESIS DEFECT 13; Mental retardation, autosomal recessive 53; NEURODEVELOPMENTAL DISORDER WITH OR WITHOUT HYPOTONIA, SEIZURES, AND CEREBELLAR ATROPHY. Identifiers: Orphanet 488635, MedGen C4310794, MONDO:0014832, OMIM 616917.

gnomAD v4.1: 1 of 1,614,176 alleles (0.000062%); highest among the groups gnomAD compares: Non-Finnish European, 0.000085%; no homozygotes.

Submission:

Labcorp Genetics (formerly Invitae), Labcorp
Classification: Uncertain significance for Intellectual disability, autosomal recessive 53. Last evaluated: 2022-02-03. Review status: criteria provided, single submitter. Criteria: Invitae Variant Classification Sherloc (09022015). Collection method: clinical testing. Allele origin: germline.
Comment: In summary, the available evidence is currently insufficient to determine the role of this variant in disease. Therefore, it has been classified as a Variant of Uncertain Significance. Algorithms developed to predict the effect of missense changes on protein structure and function are either unavailable or do not agree on the potential impact of this missense change (SIFT: "Deleterious"; PolyPhen-2: "Possibly Damaging"; Align-GVGD: "Class C0"). ClinVar contains an entry for this variant (Variation ID: 956308). This variant has not been reported in the literature in individuals affected with PIGG-related conditions. This variant is not present in population databases (gnomAD no frequency). This sequence change replaces valine, which is neutral and non-polar, with phenylalanine, which is neutral and non-polar, at codon 562 of the PIGG protein (p.Val562Phe).